The following is an entry in ClinVar:

ClinVar aggregate classification (germline): Uncertain significance. Review status: criteria provided, multiple submitters, no conflicts (2 of 4 stars). 2 submissions from 2 submitters: Uncertain significance (2). Last evaluated 2025-03-27.

Conditions:
Inborn genetic diseases. Identifiers: MedGen C0950123, MeSH D030342.
MEGF10-related myopathy (CMYO10A). Also called: Congenital myopathy 10A, severe variant. Identifiers: Orphanet 439212, MedGen C3280679, MONDO:0013731, OMIM 614399.

Allele frequency attached by ClinVar (database versions not stated): gnomAD 0.00001; gnomAD exomes 0.00002; TOPMed 0.00002; ExAC 0.00003.
gnomAD v4.1: 26 of 1,613,548 alleles (0.0016%); highest among the groups gnomAD compares: South Asian, 0.0099%; no homozygotes.

Submissions (2):

Ambry Genetics
Classification: Uncertain significance for Inborn genetic diseases. Last evaluated: 2025-03-27. Review status: criteria provided, single submitter. Criteria: Ambry Variant Classification Scheme 2023. Collection method: clinical testing. Allele origin: germline.

Labcorp Genetics (formerly Invitae), Labcorp
Classification: Uncertain significance for MEGF10-related myopathy. Last evaluated: 2024-10-23. Review status: criteria provided, single submitter. Criteria: Invitae Variant Classification Sherloc (09022015). Collection method: clinical testing. Allele origin: germline.
Comment: This sequence change replaces glycine, which is neutral and non-polar, with arginine, which is basic and polar, at codon 562 of the MEGF10 protein (p.Gly562Arg). This variant is present in population databases (rs768600085, gnomAD 0.007%). This variant has not been reported in the literature in individuals affected with MEGF10-related conditions. ClinVar contains an entry for this variant (Variation ID: 1440577). Invitae Evidence Modeling of protein sequence and biophysical properties (such as structural, functional, and spatial information, amino acid conservation, physicochemical variation, residue mobility, and thermodynamic stability) has been performed for this missense variant. However, the output from this modeling did not meet the statistical confidence thresholds required to predict the impact of this variant on MEGF10 protein function. In summary, the available evidence is currently insufficient to determine the role of this variant in disease. Therefore, it has been classified as a Variant of Uncertain Significance.

NM_001256545.2(MEGF10):c.1684G>A (p.Gly562Arg)

Gene: MEGF10 (multiple EGF like domains 10; plus strand). Cytogenetic location: 5q23.2.
Variant type: single nucleotide variant.
Coding change: c.1684G>A on transcript NM_001256545.2 (MANE Select); coding-DNA position 1684, G replaced by A.
Protein change: p.Gly562Arg; replaces glycine 562 with arginine.
Molecular consequence: missense variant.
Genome position (GRCh38, 1-based): chr5:127,422,763, G>A. VCF-style: chr5-127422763-G-A. GRCh37 (hg19) VCF-style: chr5-126758455-G-A.
Other names: c.1684G>A (NM_032446.2); c.1684G>A, p.Gly562Arg (NM_001308119.2, NM_001308121.2, NM_032446.3); short protein forms G562R.
Identifiers: ClinVar variation 1440577 (VCV001440577.6), dbSNP rs768600085, ClinGen allele CA3391671.